The following is an entry in ClinVar:

ClinVar aggregate classification (germline): Uncertain significance (1 of 4 stars; one submission).

Submission:

Ambry Genetics
Classification: Uncertain significance. Last evaluated: 2024-11-08. Review status: criteria provided, single submitter. Criteria: Ambry Variant Classification Scheme 2023. Collection method: clinical testing. Allele origin: germline.
Comment: The p.T2089I variant (also known as c.6266C>T), located in coding exon 11 of the ALPK2 gene, results from a C to T substitution at nucleotide position 6266. The threonine at codon 2089 is replaced by isoleucine, an amino acid with similar properties. This amino acid position is conserved. In addition, the in silico prediction for this alteration is inconclusive. Based on the available evidence, the clinical significance of this variant remains unclear.

NM_052947.4(ALPK2):c.6266C>T (p.Thr2089Ile)

Gene: ALPK2 (alpha kinase 2; minus strand). Cytogenetic location: 18q21.31.
Variant type: single nucleotide variant.
Coding change: c.6266C>T on transcript NM_052947.4 (MANE Select); coding-DNA position 6266, C replaced by T.
Protein change: p.Thr2089Ile; replaces threonine 2089 with isoleucine.
Molecular consequence: missense variant.
Genome position (GRCh38, 1-based): chr18:58,498,079, G>A on the plus strand (C>T on the coding strand, the complement: ALPK2 is on the minus strand). VCF-style: chr18-58498079-G-A. GRCh37 (hg19) VCF-style: chr18-56165311-G-A.
Other names: short protein forms T2089I.
Identifiers: ClinVar variation 3529496 (VCV003529496.1).